The following is an entry in ClinVar:

ClinVar aggregate classification (germline): Likely pathogenic (1 of 4 stars; one submission).

Conditions:
Fabry disease. Also called: ALPHA-GALACTOSIDASE A DEFICIENCY; ANDERSON-FABRY DISEASE; CERAMIDE TRIHEXOSIDASE DEFICIENCY; GLA DEFICIENCY; HEREDITARY DYSTOPIC LIPIDOSIS; Angiokeratoma corporis diffusum. Identifiers: Orphanet 324, MedGen C0002986, MONDO:0010526, OMIM 301500, HP:0001071. Disease mechanism: Fabry disease is due to inactivating mutations in the X-linked GLA gene resulting in deficiency of the enzyme Alpha Galactosidase-A., loss of function.

Submission:

Genomenon, Inc
Classification: Likely pathogenic for Fabry disease. Last evaluated: 2026-09-08. Review status: criteria provided, single submitter. Criteria: Genomenon Sequence Variant Interpretation Standards - Updated. Collection method: curation. Allele origin: germline. Affected: no.
Comment: GLA p.Arg49_Phe50insPro (c.147_148insCCC) is an in-frame insertion variant that results in the insertion of a Proline between codons 49 and 50. To our knowledge, this variant has not been reported in patients affected with Fabry disease in the published literature. At least one functional study has demonstrated a substantial alteration in protein function relative to the wild-type (PMID:27657681). This variant is located in a mutational hotspot and/or important functional domain. It is absent or not present at a significant frequency in gnomAD. In conclusion, we classify GLA p.Arg49_Phe50insPro (c.147_148insCCC) as a likely pathogenic variant.

Literature cited by the submitters: PubMed 27657681.

NM_000169.3(GLA):c.147_148insCCC (p.Arg49_Phe50insPro)

Genes: GLA (galactosidase alpha; minus strand), RPL36A-HNRNPH2 (RPL36A-HNRNPH2 readthrough; plus strand). Cytogenetic location: Xq22.1.
Variant type: Insertion.
Coding change: c.147_148insCCC on transcript NM_000169.3 (MANE Select); coding-DNA positions 147 to 148, CCC inserted.
Protein change: p.Arg49_Phe50insPro.
Molecular consequence: inframe insertion. On other transcripts: non-coding transcript variant (3), intron variant (2).
Genome position: GRCh38 VCF-style: chrX-101407756-A-AGGG. GRCh37 (hg19) VCF-style: chrX-100662744-A-AGGG.
Other names: c.147_148insCCC, p.Arg49_Phe50insPro (NM_001406747.1, NM_001406748.1, NM_001406749.1); c.301-4179_301-4178insGGG (NM_001199973.2); c.178-4179_178-4178insGGG (NM_001199974.2).
Identifiers: ClinVar variation 4087089 (VCV004087089.2).
Genomic context (GRCh38, chrX:101,407,756, plus strand): 5'-CCAATATCTGATACCTGATGCAGGAATCTGGCTCTTCCTGGCAGTCAAGGTTGCACATGA[A>AGGG]GCGCTCCCAGTGCAGCCAGCCCATGGTAGGCGTCCTTGCCAATCCATTGTCCAGTGCTCT-3'